The following is an entry in ClinVar:

NM_002354.3(EPCAM):c.171C>A (p.Val57=)

Gene: EPCAM (epithelial cell adhesion molecule; plus strand). Cytogenetic location: 2p21.
Variant type: single nucleotide variant.
Coding change: c.171C>A on transcript NM_002354.3 (MANE Select); coding-DNA position 171, C replaced by A.
Protein change: p.Val57=; no amino-acid change (valine 57 retained).
Molecular consequence: synonymous variant.
Genome position (GRCh38, 1-based): chr2:47,373,557, C>A. VCF-style: chr2-47373557-C-A. GRCh37 (hg19) VCF-style: chr2-47600696-C-A.
Other names: p.Val57=.
Identifiers: ClinVar variation 215811 (VCV000215811.35), dbSNP rs369992289, ClinGen allele CA339172.

ClinVar aggregate classification (germline): Likely benign. Review status: criteria provided, multiple submitters, no conflicts (2 of 4 stars). 5 submissions from 5 submitters: Likely benign (4). 1 of the submissions does not count toward it. Last evaluated 2025-11-17.

Conditions:
EPCAM-related disorder. Also called: EPCAM-related condition.
Hereditary cancer-predisposing syndrome. Also called: Tumor predisposition; Neoplastic Syndromes, Hereditary; Hereditary Cancer Syndrome; Hereditary neoplastic syndrome. Identifiers: Orphanet 140162, MedGen C0027672, MeSH D009386, MONDO:0015356.

Allele frequency attached by ClinVar (database versions not stated): gnomAD 0.00003 and 0.00004; gnomAD exomes 0.00003 and 0.00004; TOPMed 0.00005; ExAC 0.00008; ESP Exome Variant Server 0.00008.
gnomAD v4.1: 56 of 1,610,532 alleles (0.0035%); highest among the groups gnomAD compares: Non-Finnish European, 0.0044%; no homozygotes.

Submissions (5):

Labcorp Genetics (formerly Invitae), Labcorp
Classification: Likely benign. Last evaluated: 2025-11-17. Review status: criteria provided, single submitter. Criteria: Invitae Variant Classification Sherloc (09022015). Collection method: clinical testing. Allele origin: germline.

CeGaT Center for Human Genetics Tuebingen
Classification: Likely benign. Last evaluated: 2025-11-01. Review status: criteria provided, single submitter. Criteria: CeGaT Center For Human Genetics Tuebingen Variant Classification Criteria Version 2. Collection method: clinical testing. Allele origin: germline. Affected: yes. Observed: 1 variant allele.
Comment: EPCAM: BP4, BP7

Mayo Clinic Laboratories, Mayo Clinic
Classification: Likely benign. Last evaluated: 2025-03-31. Review status: criteria provided, single submitter. Criteria: ACMG Guidelines, 2015. Collection method: clinical testing. Allele origin: germline. Observed: 1 variant allele.
Comment: BP4, BP7

Ambry Genetics
Classification: Likely benign for Hereditary cancer-predisposing syndrome. Last evaluated: 2022-02-22. Review status: criteria provided, single submitter. Criteria: Ambry Variant Classification Scheme 2023. Collection method: clinical testing. Allele origin: germline.

PreventionGenetics, part of Exact Sciences
Classification: Likely benign for EPCAM-related condition. Last evaluated: 2019-04-08. Review status: no assertion criteria provided. Collection method: clinical testing. Allele origin: germline. Not counted in ClinVar's aggregate classification.
Comment: This variant is classified as likely benign based on ACMG/AMP sequence variant interpretation guidelines (Richards et al. 2015 PMID: 25741868, with internal and published modifications).